The following is an entry in ClinVar:

NM_006941.4(SOX10):c.1309del (p.Thr437fs)

Genes: POLR2F (RNA polymerase II, I and III subunit F; plus strand), SOX10 (SRY-box transcription factor 10; minus strand). Cytogenetic location: 22q13.1.
Variant type: Deletion.
Coding change: c.1309del on transcript NM_006941.4 (MANE Select); coding-DNA position 1309, one base deleted (A; older notation c.1309delA).
Protein change: p.Thr437fs; shifts the reading frame from threonine 437.
Molecular consequence: frameshift variant. On other transcripts: intron variant (3).
Genome position (GRCh38, 1-based): chr22:37,973,587, T deleted on the plus strand (A on the coding strand, the reverse complement: SOX10 is on the minus strand). VCF-style (leftmost placement, unchanged base first): chr22-37973586-GT-G. GRCh37 (hg19) VCF-style: chr22-38369593-GT-G.
Other names: c.*38+1277del (NM_001363825.1); c.293+6417del (NM_001301130.2, NM_001301131.2); short protein forms T437fs.
Identifiers: ClinVar variation 3601809 (VCV003601809.1).

ClinVar aggregate classification (germline): Pathogenic (1 of 4 stars; one submission).

Conditions:
Waardenburg syndrome type 4C (WS4C). Also called: WAARDENBURG SYNDROME WITH HIRSCHSPRUNG DISEASE, TYPE 4C. Identifiers: Orphanet 897, MedGen C2750452, MONDO:0013202, OMIM 613266.

Submission:

Institute of Rare Diseases, West China Hospital, Sichuan University
Classification: Pathogenic for Waardenburg syndrome type 4C. Last evaluated: 2025-01-09. Review status: criteria provided, single submitter. Criteria: ClinGen HL ACMG Specifications v1. Collection method: research. Allele origin: germline. Affected: yes.
Comment: PM1;PVS1;PS2;PP4;PM2_Supporting